The following is an entry in ClinVar:

NM_001244008.2(KIF1A):c.4854T>A (p.Gly1618=)

Gene: KIF1A (kinesin family member 1A; minus strand). Cytogenetic location: 2q37.3.
Variant type: single nucleotide variant.
Coding change: c.4854T>A on transcript NM_001244008.2 (MANE Select); coding-DNA position 4854, T replaced by A.
Protein change: p.Gly1618=; no amino-acid change (glycine 1618 retained).
Molecular consequence: synonymous variant.
Genome position (GRCh38, 1-based): chr2:240,720,928, A>T on the plus strand (T>A on the coding strand, the complement: KIF1A is on the minus strand). VCF-style: chr2-240720928-A-T. GRCh37 (hg19) VCF-style: chr2-241660345-A-T.
Other names: c.4578T>A, p.Gly1526= (NM_001320705.2, NM_001379649.1); c.4605T>A, p.Gly1535= (NM_001330289.2); c.4653T>A, p.Gly1551= (NM_001330290.2, NM_001379648.1); c.4929T>A, p.Gly1643= (NM_001379631.1); c.4830T>A, p.Gly1610= (NM_001379632.1); c.4827T>A, p.Gly1609= (NM_001379633.1, NM_001379645.1); c.4680T>A, p.Gly1560= (NM_001379634.1); c.4677T>A, p.Gly1559= (NM_001379635.1, NM_001379646.1); and 7 more.
Identifiers: ClinVar variation 515041 (VCV000515041.3), dbSNP rs967325160, ClinGen allele CA68135449.

ClinVar aggregate classification (germline): Likely benign. Review status: criteria provided, multiple submitters, no conflicts (2 of 4 stars). 2 submissions from 2 submitters: Likely benign (2). Last evaluated 2019-07-11.

Conditions:
Inborn genetic diseases. Identifiers: MedGen C0950123, MeSH D030342.

Allele frequency attached by ClinVar (database versions not stated): gnomAD 0.00001; TOPMed 0.00001.
gnomAD v4.1: 1 of 1,577,204 alleles (0.000063%); highest among the groups gnomAD compares: African/African-American, 0.0013%; no homozygotes.

Submissions (2):

Ambry Genetics
Classification: Likely benign for Inborn genetic diseases. Last evaluated: 2019-07-11. Review status: criteria provided, single submitter. Criteria: Ambry Variant Classification Scheme 2023. Collection method: clinical testing. Allele origin: germline.

GeneDx
Classification: Likely benign. Last evaluated: 2018-02-01. Review status: criteria provided, single submitter. Criteria: GeneDx Variant Classification (06012015). Collection method: clinical testing. Allele origin: germline. Affected: yes.
Comment: This variant is considered likely benign or benign based on one or more of the following criteria: it is a conservative change, it occurs at a poorly conserved position in the protein, it is predicted to be benign by multiple in silico algorithms, and/or has population frequency not consistent with disease.